The following is an entry in ClinVar:

ClinVar aggregate classification (germline): Uncertain significance (1 of 4 stars; one submission).

Submission:

Labcorp Genetics (formerly Invitae), Labcorp
Classification: Uncertain significance. Last evaluated: 2022-03-22. Review status: criteria provided, single submitter. Criteria: Invitae Variant Classification Sherloc (09022015). Collection method: clinical testing. Allele origin: germline.
Comment: This sequence change replaces leucine, which is neutral and non-polar, with valine, which is neutral and non-polar, at codon 113 of the TTLL5 protein (p.Leu113Val). This variant is not present in population databases (gnomAD no frequency). This variant has not been reported in the literature in individuals affected with TTLL5-related conditions. Algorithms developed to predict the effect of missense changes on protein structure and function (SIFT, PolyPhen-2, Align-GVGD) all suggest that this variant is likely to be disruptive. In summary, the available evidence is currently insufficient to determine the role of this variant in disease. Therefore, it has been classified as a Variant of Uncertain Significance.

NM_015072.5(TTLL5):c.337C>G (p.Leu113Val)

Gene: TTLL5 (tubulin tyrosine ligase like 5; plus strand). Cytogenetic location: 14q24.3.
Variant type: single nucleotide variant.
Coding change: c.337C>G on transcript NM_015072.5 (MANE Select); coding-DNA position 337, C replaced by G.
Protein change: p.Leu113Val; replaces leucine 113 with valine.
Molecular consequence: missense variant.
Genome position (GRCh38, 1-based): chr14:75,683,622, C>G. VCF-style: chr14-75683622-C-G. GRCh37 (hg19) VCF-style: chr14-76149965-C-G.
Other names: short protein forms L113V.
Identifiers: ClinVar variation 1377439 (VCV001377439.6), dbSNP rs2140122580, ClinGen allele CA390452541.
Genomic context (GRCh38, chr14:75,683,622, plus strand): 5'-AGCACTGACTATAACCTAATGTGGACAGGATCCCACCTGAAGCCCTTCTTACTGCGCACC[C>G]TCTCTGAAGCACAAAAAGTTAATCACTTTCCCAGGTAATGCTCTTTGTAGCTGCTTTGCT-3'
Protein context (NP_055887.3, residues 103-123): SHLKPFLLRT[Leu113Val]SEAQKVNHFP